The following is an entry in ClinVar:

ClinVar aggregate classification (germline): Likely pathogenic (1 of 4 stars; one submission).

Conditions:
Deficiency of galactokinase. Also called: GALACTOSEMIA II; Galactokinase deficiency with cataracts. Identifiers: Orphanet 352, Orphanet 79237, MedGen C0268155, MONDO:0009255, OMIM 230200.

Submission:

Labcorp Genetics (formerly Invitae), Labcorp
Classification: Likely pathogenic for Deficiency of galactokinase. Last evaluated: 2022-05-27. Review status: criteria provided, single submitter. Criteria: Invitae Variant Classification Sherloc (09022015). Collection method: clinical testing. Allele origin: unknown.
Comment: In summary, the currently available evidence indicates that the variant is pathogenic, but additional data are needed to prove that conclusively. Therefore, this variant has been classified as Likely Pathogenic. This variant disrupts a region of the GALK1 protein in which other variant(s) (p.Thr288Met) have been observed in individuals with GALK1-related conditions (PMID: 11139256). This suggests that this is a clinically significant region of the protein, and that variants that disrupt it are likely to be disease-causing. This variant has not been reported in the literature in individuals affected with GALK1-related conditions. This variant results in the deletion of part of exon 6 (c.793+466_887del) of the GALK1 gene. It is expected to disrupt RNA splicing. Variants that disrupt the donor or acceptor splice site typically lead to a loss of protein function (PMID: 16199547), and loss-of-function variants in GALK1 are known to be pathogenic (PMID: 7670469, 10790206).

Literature cited by the submitters: PubMed 11139256; PubMed 16199547; PubMed 7670469; PubMed 10790206.

NC_000017.10:g.(?_73754587)_(73758319_?)del

Gene: GALK1 (galactokinase 1; minus strand). Cytogenetic location: 17q25.1.
Variant type: Deletion.
Identifiers: ClinVar variation 3242940 (VCV003242940.1).